The following is an entry in ClinVar:

NM_000548.5(TSC2):c.3891C>T (p.Ala1297=)

Gene: TSC2 (TSC complex subunit 2; plus strand). Cytogenetic location: 16p13.3.
Variant type: single nucleotide variant.
Coding change: c.3891C>T on transcript NM_000548.5 (MANE Select); coding-DNA position 3891, C replaced by T.
Protein change: p.Ala1297=; no amino-acid change (alanine 1297 retained).
Molecular consequence: synonymous variant.
Genome position (GRCh38, 1-based): chr16:2,083,702, C>T. VCF-style: chr16-2083702-C-T. GRCh37 (hg19) VCF-style: chr16-2133703-C-T.
Other names: c.3690C>T, p.Ala1230= (NM_001077183.3); c.3822C>T, p.Ala1274= (NM_001114382.3); c.3582C>T, p.Ala1194= (NM_001318827.2); c.3546C>T, p.Ala1182= (NM_001318829.2); c.3159C>T, p.Ala1053= (NM_001318831.2); c.3723C>T, p.Ala1241= (NM_001318832.2); c.3693C>T, p.Ala1231= (NM_001363528.2); c.3759C>T, p.Ala1253= (NM_001370404.1); and 1 more.
Identifiers: ClinVar variation 413730 (VCV000413730.28), dbSNP rs373508609, ClinGen allele CA049506.
Genomic context (GRCh38, chr16:2,083,702, plus strand): 5'-GGCCAGGGCCTGGCCCAGCCCCACATCCAGCAGCCCCGTCTGTGTCCTCCCAGACTCCGC[C>T]GTGGTCATGGAGGAGGGAAGTCCGGGCGAGGTTCCTGTGCTGGTGGAGCCCCCAGGGTTG-3'
Protein context (NP_000539.2, residues 1287-1307): LHRSVSWADS[Ala1297=]VVMEEGSPGE

ClinVar aggregate classification (germline): Benign/Likely benign. Review status: criteria provided, multiple submitters, no conflicts (2 of 4 stars). 9 submissions from 9 submitters: Benign (3); Likely benign (6). Last evaluated 2026-02-03.

Conditions:
Hereditary cancer-predisposing syndrome. Also called: Tumor predisposition; Hereditary neoplastic syndrome; Hereditary Cancer Syndrome; Neoplastic Syndromes, Hereditary. Identifiers: Orphanet 140162, MedGen C0027672, MeSH D009386, MONDO:0015356.
Tuberous sclerosis syndrome (TSC). Also called: Tuberous Sclerosis Complex; Tuberous sclerosis. Identifiers: Orphanet 805, MedGen C0041341, MONDO:0001734.
Tuberous sclerosis 2 (TSC2). Identifiers: Orphanet 805, MedGen C1860707, MONDO:0013199, OMIM 613254.

Allele frequency attached by ClinVar (database versions not stated): gnomAD below 0.00001 and 0.00001; ExAC 0.00006.
gnomAD v4.1: 21 of 1,585,690 alleles (0.0013%); highest among the groups gnomAD compares: South Asian, 0.0023%; no homozygotes.

Submissions (9):

Labcorp Genetics (formerly Invitae), Labcorp
Classification: Benign for Tuberous sclerosis 2. Last evaluated: 2026-02-03. Review status: criteria provided, single submitter. Criteria: Invitae Variant Classification Sherloc (09022015). Collection method: clinical testing. Allele origin: germline.

CeGaT Center for Human Genetics Tuebingen
Classification: Likely benign. Last evaluated: 2025-10-01. Review status: criteria provided, single submitter. Criteria: CeGaT Center For Human Genetics Tuebingen Variant Classification Criteria Version 2. Collection method: clinical testing. Allele origin: germline. Affected: yes. Observed: 1 variant allele.
Comment: TSC2: BP4, BP7

Myriad Genetics, Inc.
Classification: Benign for Tuberous sclerosis 2. Last evaluated: 2025-06-02. Review status: criteria provided, single submitter. Criteria: Myriad Autosomal Dominant, Autosomal Recessive and X-Linked Classification Criteria (2023). Collection method: clinical testing. Allele origin: unknown.
Comment: This variant is considered benign. This variant is a silent/synonymous amino acid change and it is not expected to impact splicing.

All of Us Research Program, National Institutes of Health
Classification: Likely benign for Tuberous sclerosis syndrome. Last evaluated: 2023-11-30. Review status: criteria provided, single submitter. Criteria: ACMG Guidelines, 2015. Collection method: clinical testing. Allele origin: germline. Inheritance: Autosomal dominant inheritance. Observed: 2 variant alleles, 2 heterozygotes.
Comment: This study involves interpretation of variants in research participants for the purpose of population health screening. Participant phenotype was not available at the time of variant classification. Additional details can be found in publication PMID: 35346344, PMCID: PMC8962531

Blueprint Genetics
Classification: Likely benign. Last evaluated: 2022-11-15. Review status: criteria provided, single submitter. Criteria: ACMG Guidelines, 2015. Collection method: clinical testing. Allele origin: germline.

Color Diagnostics, LLC DBA Color Health
Classification: Likely benign for Tuberous sclerosis syndrome. Last evaluated: 2022-10-04. Review status: criteria provided, single submitter. Criteria: ACMG Guidelines, 2015. Collection method: clinical testing. Allele origin: germline.

Genome-Nilou Lab
Classification: Benign for Tuberous sclerosis 2. Last evaluated: 2021-11-07. Review status: criteria provided, single submitter. Criteria: ACMG Guidelines, 2015. Collection method: clinical testing. Allele origin: germline. Affected: no.

GeneDx
Classification: Likely benign. Last evaluated: 2020-08-06. Review status: criteria provided, single submitter. Criteria: GeneDx Variant Classification Process June 2021. Collection method: clinical testing. Allele origin: germline. Affected: yes.

Ambry Genetics
Classification: Likely benign for Hereditary cancer-predisposing syndrome. Last evaluated: 2019-03-29. Review status: criteria provided, single submitter. Criteria: Ambry Variant Classification Scheme 2023. Collection method: clinical testing. Allele origin: germline.